The following is an entry in ClinVar:

NM_005228.5(EGFR):c.1631+1G>A

Gene: EGFR (epidermal growth factor receptor; plus strand). Cytogenetic location: 7p11.2.
Variant type: single nucleotide variant.
Coding change: c.1631+1G>A on transcript NM_005228.5 (MANE Select); the canonical splice donor site of the intron after coding-DNA position 1631, G replaced by A.
Molecular consequence: splice donor variant.
Genome position (GRCh38, 1-based): chr7:55,161,632, G>A. VCF-style: chr7-55161632-G-A. GRCh37 (hg19) VCF-style: chr7-55229325-G-A.
Other names: c.1631+1G>A (NM_005228.3, NM_001346898.2, NM_201284.2 and 1 more transcripts); c.1496+1G>A (NM_001346899.2, NM_001346897.2); c.830+1G>A (NM_001346941.2); c.1472+1G>A (NM_001346900.2).
Identifiers: ClinVar variation 3668692 (VCV003668692.2).

ClinVar aggregate classification (germline): Conflicting classifications of pathogenicity. Review status: criteria provided, conflicting classifications (1 of 4 stars). 2 submissions from 2 submitters: Likely pathogenic (1); Uncertain significance (1). Last evaluated 2026-01-16.

Conditions:
Hereditary cancer-predisposing syndrome. Also called: Hereditary Cancer Syndrome; Neoplastic Syndromes, Hereditary; Tumor predisposition; Hereditary neoplastic syndrome. Identifiers: Orphanet 140162, MedGen C0027672, MeSH D009386, MONDO:0015356.
EGFR-related lung cancer (EGFR). Identifiers: MedGen CN130014.

Submissions (2):

Ambry Genetics
Classification: Uncertain significance for Hereditary cancer-predisposing syndrome. Last evaluated: 2026-01-16. Review status: criteria provided, single submitter. Criteria: Ambry Variant Classification Scheme 2023. Collection method: clinical testing. Allele origin: germline.
Comment: The c.1631+1G>A intronic variant results from a G to A substitution one nucleotide after coding exon 13 of the EGFR gene. This nucleotide position is highly conserved in available vertebrate species. In silico splice site analysis predicts that this alteration will weaken the native splice donor site and may result in the creation or strengthening of a novel splice donor site. Alterations that disrupt the canonical splice site are expected to cause aberrant splicing, resulting in an abnormal protein or a transcript that is subject to nonsense-mediated mRNA decay. Although biallelic loss of function of EGFR are known to cause EGFR-related neonatal inflammatory skin and bowel disease, such associations with EGFR-related lung cancer have not been reported. Based on the supporting evidence, this variant is expected to be causative of EGFR-related neonatal inflammatory skin and bowel disease when present along with a second pathogenic variant on the other allele; however, its clinical significance for EGFR-related lung cancer is unclear.

Labcorp Genetics (formerly Invitae), Labcorp
Classification: Likely pathogenic for EGFR-related lung cancer. Last evaluated: 2024-06-25. Review status: criteria provided, single submitter. Criteria: Invitae Variant Classification Sherloc (09022015). Collection method: clinical testing. Allele origin: germline.
Comment: This sequence change affects a donor splice site in intron 13 of the EGFR gene. It is expected to disrupt RNA splicing. Variants that disrupt the donor or acceptor splice site typically lead to a loss of protein function (PMID: 16199547), and loss-of-function variants in EGFR are known to be pathogenic (PMID: 7630400, 28726809, 29899996). This variant is not present in population databases (gnomAD no frequency). This variant has not been reported in the literature in individuals affected with EGFR-related conditions. Algorithms developed to predict the effect of sequence changes on RNA splicing suggest that this variant may disrupt the consensus splice site. In summary, the currently available evidence indicates that the variant is pathogenic, but additional data are needed to prove that conclusively. Therefore, this variant has been classified as Likely Pathogenic.

Literature cited by the submitters: PubMed 16199547 (cited by Labcorp Genetics (formerly Invitae), Labcorp); PubMed 7630400 (cited by Labcorp Genetics (formerly Invitae), Labcorp); PubMed 28726809 (cited by Labcorp Genetics (formerly Invitae), Labcorp); PubMed 29899996 (cited by Labcorp Genetics (formerly Invitae), Labcorp).